The following is an entry in ClinVar:

ClinVar aggregate classification (germline): Uncertain significance (1 of 4 stars; one submission).

Conditions:
Cardiovascular phenotype. Identifiers: MedGen CN230736.

gnomAD v4.1: 1 of 1,609,872 alleles (0.000062%); highest among the groups gnomAD compares: South Asian, 0.0011%; no homozygotes.

Submission:

Ambry Genetics
Classification: Uncertain significance for Cardiovascular phenotype. Last evaluated: 2026-02-11. Review status: criteria provided, single submitter. Criteria: Ambry Variant Classification Scheme 2023. Collection method: clinical testing. Allele origin: germline.
Comment: The p.E1352V variant (also known as c.4055A>T), located in coding exon 27 of the MYH6 gene, results from an A to T substitution at nucleotide position 4055. The glutamic acid at codon 1352 is replaced by valine, an amino acid with dissimilar properties. This amino acid position is highly conserved in available vertebrate species. In addition, this alteration is predicted to be deleterious by in silico analysis. Based on the available evidence, the clinical significance of this variant remains unclear.

NM_002471.4(MYH6):c.4055A>T (p.Glu1352Val)

Gene: MYH6 (myosin heavy chain 6; minus strand). Cytogenetic location: 14q11.2.
Variant type: single nucleotide variant.
Coding change: c.4055A>T on transcript NM_002471.4 (MANE Select); coding-DNA position 4055, A replaced by T.
Protein change: p.Glu1352Val; replaces glutamic acid 1352 with valine.
Molecular consequence: missense variant.
Genome position (GRCh38, 1-based): chr14:23,388,979, T>A on the plus strand (A>T on the coding strand, the complement: MYH6 is on the minus strand). VCF-style: chr14-23388979-T-A. GRCh37 (hg19) VCF-style: chr14-23858188-T-A.
Other names: short protein forms E1352V.
Identifiers: ClinVar variation 4825133 (VCV004825133.1).
Genomic context (GRCh38, chr14:23,388,979, plus strand): 5'-TGGGCCACCTCCGAGTTGGCCTTGGACAGGACGCGCTGCAGCTCGGCCTTGGCCTCTGTC[T>A]CCTCCTCGTACTGCTCCCGCAGCAGGTCGCAGTCATGCCGGGCCGACTGCAGTGCATGGG-3'
Protein context (NP_002462.2, residues 1342-1362): CDLLREQYEE[Glu1352Val]TEAKAELQRV